The following is an entry in ClinVar:

ClinVar aggregate classification (germline): Uncertain significance (1 of 4 stars; one submission).

Conditions:
Hypertrophic cardiomyopathy. Also called: HYPERTROPHIC MYOCARDIOPATHY. Identifiers: Orphanet 217569, MedGen C0007194, MeSH D002312, MONDO:0005045, HP:0001639.

Allele frequency attached by ClinVar (database versions not stated): TOPMed 0.00002; gnomAD exomes 0.00003; ExAC 0.00010.
gnomAD v4.1: 46 of 1,608,630 alleles (0.0029%); highest among the groups gnomAD compares: East Asian, 0.1%; no homozygotes.

Submission:

Labcorp Genetics (formerly Invitae), Labcorp
Classification: Uncertain significance for Hypertrophic cardiomyopathy. Last evaluated: 2023-08-03. Review status: criteria provided, single submitter. Criteria: Invitae Variant Classification Sherloc (09022015). Collection method: clinical testing. Allele origin: germline.
Comment: In summary, the available evidence is currently insufficient to determine the role of this variant in disease. Therefore, it has been classified as a Variant of Uncertain Significance. Advanced modeling of protein sequence and biophysical properties (such as structural, functional, and spatial information, amino acid conservation, physicochemical variation, residue mobility, and thermodynamic stability) has been performed at Invitae for this missense variant, however the output from this modeling did not meet the statistical confidence thresholds required to predict the impact of this variant on MYOM1 protein function. This sequence change replaces glycine, which is neutral and non-polar, with arginine, which is basic and polar, at codon 324 of the MYOM1 protein (p.Gly324Arg). This variant is present in population databases (rs200397389, gnomAD 0.06%), and has an allele count higher than expected for a pathogenic variant. This missense change has been observed in individual(s) with hypertrophic cardiomyopathy (PMID: 33658040). ClinVar contains an entry for this variant (Variation ID: 1910735).

Literature cited by the submitters: PubMed 33658040.

NM_003803.4(MYOM1):c.970G>C (p.Gly324Arg)

Gene: MYOM1 (myomesin 1; minus strand). Cytogenetic location: 18p11.31.
Variant type: single nucleotide variant.
Coding change: c.970G>C on transcript NM_003803.4 (MANE Select); coding-DNA position 970, G replaced by C.
Protein change: p.Gly324Arg; replaces glycine 324 with arginine.
Molecular consequence: missense variant.
Genome position (GRCh38, 1-based): chr18:3,176,094, C>G on the plus strand (G>C on the coding strand, the complement: MYOM1 is on the minus strand). VCF-style: chr18-3176094-C-G. GRCh37 (hg19) VCF-style: chr18-3176092-C-G.
Other names: c.970G>C, p.Gly324Arg (NM_019856.2); short protein forms G324R.
Identifiers: ClinVar variation 1910735 (VCV001910735.5), dbSNP rs200397389, ClinGen allele CA8875113.